The following is an entry in ClinVar:

NM_006031.6(PCNT):c.3545G>A (p.Arg1182Gln)

Gene: PCNT (pericentrin; plus strand). Cytogenetic location: 21q22.3.
Variant type: single nucleotide variant.
Coding change: c.3545G>A on transcript NM_006031.6 (MANE Select); coding-DNA position 3545, G replaced by A.
Protein change: p.Arg1182Gln; replaces arginine 1182 with glutamine.
Molecular consequence: missense variant.
Genome position (GRCh38, 1-based): chr21:46,388,822, G>A. VCF-style: chr21-46388822-G-A. GRCh37 (hg19) VCF-style: chr21-47808737-G-A.
Other names: c.3191G>A, p.Arg1064Gln (NM_001315529.2); short protein forms R1064Q, R1182Q.
Identifiers: ClinVar variation 2634090 (VCV002634090.3), dbSNP rs564819089, ClinGen allele CA10079348.
Genomic context (GRCh38, chr21:46,388,822, plus strand): 5'-TGCGCAGGCTGCTGGGTTTGTTTGGAGAGACGCTGAGGGCAGCCGTCACCCTGAGGAGCC[G>A]GATCGGGGAGCGCGTGGGGCTCTGCCTGGATGACGCGGGCGCAGGCCTGGCCCTGTCGAC-3'
Protein context (NP_006022.3, residues 1172-1192): TLRAAVTLRS[Arg1182Gln]IGERVGLCLD

ClinVar aggregate classification (germline): Uncertain significance. Review status: criteria provided, multiple submitters, no conflicts (2 of 4 stars). 2 submissions from 2 submitters: Uncertain significance (2). Last evaluated 2026-09-16.

Conditions:
PCNT-related disorder. Also called: PCNT-related condition.
Inborn genetic diseases. Identifiers: MedGen C0950123, MeSH D030342.

Allele frequency attached by ClinVar (database versions not stated): gnomAD 0.00001; TOPMed 0.00002; ExAC 0.00003.
gnomAD v4.1: 82 of 1,612,810 alleles (0.0051%); highest among the groups gnomAD compares: Non-Finnish European, 0.0059%; no homozygotes.

Submissions (2):

PreventionGenetics, part of Exact Sciences
Classification: Uncertain significance for PCNT-related condition. Last evaluated: 2026-09-16. Review status: criteria provided, single submitter. Criteria: ACMG Guidelines, 2015. Collection method: clinical testing. Allele origin: germline.
Comment: The PCNT c.3545G>A variant is predicted to result in the amino acid substitution p.Arg1182Gln. To our knowledge, this variant has not been reported in the literature. This variant is reported in 0.0033% of alleles in individuals of South Asian descent in gnomAD. At this time, the clinical significance of this variant is uncertain due to the absence of conclusive functional and genetic evidence.

Ambry Genetics
Classification: Uncertain significance for Inborn genetic diseases. Last evaluated: 2023-11-14. Review status: criteria provided, single submitter. Criteria: Ambry Variant Classification Scheme 2023. Collection method: clinical testing. Allele origin: germline.